The following is an entry in ClinVar:

ClinVar aggregate classification (germline): Uncertain significance (1 of 4 stars; one submission).

Conditions:
Growth hormone insensitivity with immune dysregulation 1, autosomal recessive. Also called: GROWTH HORMONE INSENSITIVITY SYNDROME WITH IMMUNE DYSREGULATION 1, AUTOSOMAL RECESSIVE; GROWTH HORMONE INSENSITIVITY DUE TO POSTRECEPTOR DEFECT; LARON SYNDROME DUE TO POSTRECEPTOR DEFECT; Laron syndrome with immunodeficiency. Identifiers: Orphanet 220465, MedGen C5435698, MONDO:0100211, OMIM 245590.

gnomAD v4.1: 9 of 1,613,958 alleles (0.00056%); highest among the groups gnomAD compares: Non-Finnish European, 0.00059%; no homozygotes.

Submission:

Labcorp Genetics (formerly Invitae), Labcorp
Classification: Uncertain significance for Growth hormone insensitivity with immune dysregulation 1, autosomal recessive. Last evaluated: 2024-09-16. Review status: criteria provided, single submitter. Criteria: Invitae Variant Classification Sherloc (09022015). Collection method: clinical testing. Allele origin: germline.
Comment: This sequence change replaces valine, which is neutral and non-polar, with glycine, which is neutral and non-polar, at codon 450 of the STAT5B protein (p.Val450Gly). This variant is present in population databases (rs753839151, gnomAD 0.002%). This variant has not been reported in the literature in individuals affected with STAT5B-related conditions. Invitae Evidence Modeling of protein sequence and biophysical properties (such as structural, functional, and spatial information, amino acid conservation, physicochemical variation, residue mobility, and thermodynamic stability) indicates that this missense variant is expected to disrupt STAT5B protein function with a positive predictive value of 80%. In summary, the available evidence is currently insufficient to determine the role of this variant in disease. Therefore, it has been classified as a Variant of Uncertain Significance.

NM_012448.4(STAT5B):c.1349T>G (p.Val450Gly)

Gene: STAT5B (signal transducer and activator of transcription 5B; minus strand). Cytogenetic location: 17q21.2.
Variant type: single nucleotide variant.
Coding change: c.1349T>G on transcript NM_012448.4 (MANE Select); coding-DNA position 1349, T replaced by G.
Protein change: p.Val450Gly; replaces valine 450 with glycine.
Molecular consequence: missense variant.
Genome position (GRCh38, 1-based): chr17:42,217,191, A>C on the plus strand (T>G on the coding strand, the complement: STAT5B is on the minus strand). VCF-style: chr17-42217191-A-C. GRCh37 (hg19) VCF-style: chr17-40369209-A-C.
Other names: short protein forms V450G.
Identifiers: ClinVar variation 3679811 (VCV003679811.2).